The following is an entry in ClinVar:

ClinVar aggregate classification (germline): Uncertain significance (1 of 4 stars; one submission).

gnomAD v4.1: 11 of 1,614,014 alleles (0.00068%); highest among the groups gnomAD compares: Non-Finnish European, 0.00093%; no homozygotes.

Submission:

Labcorp Genetics (formerly Invitae), Labcorp
Classification: Uncertain significance. Last evaluated: 2025-06-23. Review status: criteria provided, single submitter. Criteria: Invitae Variant Classification Sherloc (09022015). Collection method: clinical testing. Allele origin: germline.
Comment: This sequence change replaces arginine, which is basic and polar, with glutamine, which is neutral and polar, at codon 1641 of the MYH9 protein (p.Arg1641Gln). This variant is not present in population databases (gnomAD no frequency). This variant has not been reported in the literature in individuals affected with MYH9-related conditions. Invitae Evidence Modeling of protein sequence and biophysical properties (such as structural, functional, and spatial information, amino acid conservation, physicochemical variation, residue mobility, and thermodynamic stability) indicates that this missense variant is not expected to disrupt MYH9 protein function with a negative predictive value of 80%. In summary, the available evidence is currently insufficient to determine the role of this variant in disease. Therefore, it has been classified as a Variant of Uncertain Significance.

NM_002473.6(MYH9):c.4922G>A (p.Arg1641Gln)

Gene: MYH9 (myosin heavy chain 9; minus strand). Cytogenetic location: 22q12.3.
Variant type: single nucleotide variant.
Coding change: c.4922G>A on transcript NM_002473.6 (MANE Select); coding-DNA position 4922, G replaced by A.
Protein change: p.Arg1641Gln; replaces arginine 1641 with glutamine.
Molecular consequence: missense variant.
Genome position (GRCh38, 1-based): chr22:36,288,262, C>T on the plus strand (G>A on the coding strand, the complement: MYH9 is on the minus strand). VCF-style: chr22-36288262-C-T. GRCh37 (hg19) VCF-style: chr22-36684308-C-T.
Other names: short protein forms R1641Q.
Identifiers: ClinVar variation 4708632 (VCV004708632.1).